The following is an entry in ClinVar:

ClinVar aggregate classification (germline): Uncertain significance (1 of 4 stars; one submission).

Conditions:
Houge-Janssens syndrome 2. Also called: PPP2R1A-Related Neurodevelopmental Disorder; INTELLECTUAL DEVELOPMENTAL DISORDER, AUTOSOMAL DOMINANT 36; Microcephaly-corpus callosum hypoplasia-intellectual disability-facial dysmorphism syndrome. Identifiers: Orphanet 457284, MedGen C4225352, MONDO:0014605, OMIM 616362.

gnomAD v4.1: 1 of 1,614,046 alleles (0.000062%); highest among the groups gnomAD compares: South Asian, 0.0011%; no homozygotes.

Submission:

Laboratorio de Genetica e Diagnostico Molecular, Hospital Israelita Albert Einstein
Classification: Uncertain significance for Houge-Janssens syndrome 2. Last evaluated: 2023-11-03. Review status: criteria provided, single submitter. Criteria: ACMG Guidelines, 2015. Collection method: clinical testing. Allele origin: germline. Affected: yes.
Comment: ACMG classification criteria: PM2 moderate, PP2 supporting, BP4 supporting

NM_014225.6(PPP2R1A):c.349C>G (p.His117Asp)

Gene: PPP2R1A (protein phosphatase 2 scaffold subunit Aalpha; plus strand). Cytogenetic location: 19q13.41.
Variant type: single nucleotide variant.
Coding change: c.349C>G on transcript NM_014225.6 (MANE Select); coding-DNA position 349, C replaced by G.
Protein change: p.His117Asp; replaces histidine 117 with aspartic acid.
Molecular consequence: missense variant. On other transcripts: 5 prime UTR variant (1), non-coding transcript variant (1).
Genome position (GRCh38, 1-based): chr19:52,211,338, C>G. VCF-style: chr19-52211338-C-G. GRCh37 (hg19) VCF-style: chr19-52714591-C-G.
Other names: c.-189C>G (NM_001363656.2); short protein forms H117D.
Identifiers: ClinVar variation 4076396 (VCV004076396.1).